The following is an entry in ClinVar:

NM_052925.4(LENG8):c.1669A>G (p.Ile557Val)

Gene: LENG8 (leukocyte receptor cluster member 8; plus strand). Cytogenetic location: 19q13.42.
Variant type: single nucleotide variant.
Coding change: c.1669A>G on transcript NM_052925.4 (MANE Select); coding-DNA position 1669, A replaced by G.
Protein change: p.Ile557Val; replaces isoleucine 557 with valine.
Molecular consequence: missense variant.
Genome position (GRCh38, 1-based): chr19:54,456,859, A>G. VCF-style: chr19-54456859-A-G. GRCh37 (hg19) VCF-style: chr19-54968038-A-G.
Other names: c.1669A>G, p.Ile557Val (NM_001375638.1, NM_001375640.1, NM_001375641.1); c.1615A>G, p.Ile539Val (NM_001375639.1); c.1558A>G, p.Ile520Val (NM_001411063.1); short protein forms I520V, I539V, I557V.
Identifiers: ClinVar variation 3056840 (VCV003056840.2), dbSNP rs35336528, ClinGen allele CA309659478.

ClinVar aggregate classification (germline): Benign (0 of 4 stars; one submission).

Conditions:
LENG8-related disorder. Also called: LENG8-related condition.

Allele frequency attached by ClinVar (database versions not stated): gnomAD 0.02904; gnomAD exomes 0.02922; TOPMed 0.03047; ESP Exome Variant Server 0.03138; ExAC 0.03449; 1000 Genomes Project 0.04193; 1000 Genomes Project 30x 0.04403.
gnomAD v4.1: 47,462 of 1,610,942 alleles (2.9%); highest among the groups gnomAD compares: South Asian, 8.8%; 1,011 homozygotes.

Submission:

PreventionGenetics, part of Exact Sciences
Classification: Benign for LENG8-related condition. Last evaluated: 2019-07-15. Review status: no assertion criteria provided. Collection method: clinical testing. Allele origin: germline.
Comment: This variant is classified as benign based on ACMG/AMP sequence variant interpretation guidelines (Richards et al. 2015 PMID: 25741868, with internal and published modifications).